The following is an entry in ClinVar:

ClinVar aggregate classification (germline): Conflicting classifications of pathogenicity. Review status: criteria provided, conflicting classifications (1 of 4 stars). 2 submissions from 2 submitters: Pathogenic (1); Uncertain significance (1). Last evaluated 2025-01-27.

Conditions:
Inborn genetic diseases. Identifiers: MedGen C0950123, MeSH D030342.
Charcot-Marie-Tooth disease type 4. Also called: Charcot-Marie-Tooth disease, type IV; Charcot-Marie-Tooth, Type 4. Identifiers: Orphanet 64749, MedGen C4082197, MONDO:0018995.

Allele frequency attached by ClinVar (database versions not stated): gnomAD exomes 0.00001 and below 0.00001; TOPMed 0.00001.
gnomAD v4.1: 9 of 1,614,172 alleles (0.00056%); highest among the groups gnomAD compares: Admixed American, 0.0017%; no homozygotes.

Submissions (2):

Labcorp Genetics (formerly Invitae), Labcorp
Classification: Pathogenic for Charcot-Marie-Tooth disease type 4. Last evaluated: 2025-01-27. Review status: criteria provided, single submitter. Criteria: Invitae Variant Classification Sherloc (09022015). Collection method: clinical testing. Allele origin: germline.
Comment: This sequence change replaces glycine, which is neutral and non-polar, with serine, which is neutral and polar, at codon 299 of the SH3TC2 protein (p.Gly299Ser). This variant is present in population databases (no rsID available, gnomAD 0.003%). This missense change has been observed in individual(s) with clinical features of Charcot-Marie-Tooth disease (PMID: 33643188). In at least one individual the data is consistent with being in trans (on the opposite chromosome) from a pathogenic variant. It has also been observed to segregate with disease in related individuals. ClinVar contains an entry for this variant (Variation ID: 1007019). Invitae Evidence Modeling of protein sequence and biophysical properties (such as structural, functional, and spatial information, amino acid conservation, physicochemical variation, residue mobility, and thermodynamic stability) indicates that this missense variant is expected to disrupt SH3TC2 protein function with a positive predictive value of 95%. This variant disrupts the p.Gly299 amino acid residue in SH3TC2. Other variant(s) that disrupt this residue have been observed in individuals with SH3TC2-related conditions (internal data), which suggests that this may be a clinically significant amino acid residue. For these reasons, this variant has been classified as Pathogenic.

Ambry Genetics
Classification: Uncertain significance for Inborn genetic diseases. Last evaluated: 2020-05-18. Review status: criteria provided, single submitter. Criteria: Ambry Variant Classification Scheme 2023. Collection method: clinical testing. Allele origin: germline.
Comment: The p.G299S variant (also known as c.895G>A), located in coding exon 8 of the SH3TC2 gene, results from a G to A substitution at nucleotide position 895. The glycine at codon 299 is replaced by serine, an amino acid with similar properties. This amino acid position is highly conserved in available vertebrate species. In addition, the in silico prediction for this alteration is inconclusive. Since supporting evidence is limited at this time, the clinical significance of this alteration remains unclear.

Literature cited by the submitters: PubMed 33643188 (cited by Labcorp Genetics (formerly Invitae), Labcorp).

NM_024577.4(SH3TC2):c.895G>A (p.Gly299Ser)

Gene: SH3TC2 (SH3 domain and tetratricopeptide repeats 2; minus strand). Cytogenetic location: 5q32.
Variant type: single nucleotide variant.
Coding change: c.895G>A on transcript NM_024577.4 (MANE Select); coding-DNA position 895, G replaced by A.
Protein change: p.Gly299Ser; replaces glycine 299 with serine.
Molecular consequence: missense variant.
Genome position (GRCh38, 1-based): chr5:149,038,401, C>T on the plus strand (G>A on the coding strand, the complement: SH3TC2 is on the minus strand). VCF-style: chr5-149038401-C-T. GRCh37 (hg19) VCF-style: chr5-148417964-C-T.
Other names: short protein forms G299S.
Identifiers: ClinVar variation 1007019 (VCV001007019.10), dbSNP rs1233598157, ClinGen allele CA361672807.